The following is an entry in ClinVar:

NM_007194.4(CHEK2):c.1394del (p.Lys465fs)

Gene: CHEK2 (checkpoint kinase 2; minus strand). Cytogenetic location: 22q12.1.
Variant type: Deletion.
Coding change: c.1394del on transcript NM_007194.4 (MANE Select); coding-DNA position 1394, one base deleted (A; older notation c.1394delA).
Protein change: p.Lys465fs; shifts the reading frame from lysine 465.
Molecular consequence: frameshift variant.
Genome position (GRCh38, 1-based): chr22:28,694,099, T deleted on the plus strand (A on the coding strand, the reverse complement: CHEK2 is on the minus strand); the first of 2 consecutive T bases (chr22:28,694,099-28,694,100); deleting either gives the same sequence. VCF-style (leftmost placement, unchanged base first): chr22-28694098-CT-C. GRCh37 (hg19) VCF-style: chr22-29090086-CT-C.
Other names: c.1523del, p.Lys508fs (NM_001005735.3); c.731del, p.Lys244fs (NM_001257387.3, NM_001437942.1); c.1193del, p.Lys398fs (NM_001349956.3); c.1487del, p.Lys496fs (NM_001438293.1); c.1436del, p.Lys479fs (NM_001438294.1); c.1400del, p.Lys467fs (NM_001438295.1); c.1307del, p.Lys436fs (NM_145862.3); short protein forms K467fs, K479fs, K496fs, K508fs, K465fs, K398fs, K244fs, K436fs.
Identifiers: ClinVar variation 4228015 (VCV004228015.1).

ClinVar aggregate classification (germline): Pathogenic (1 of 4 stars; one submission).

Conditions:
Hereditary cancer-predisposing syndrome. Also called: Hereditary Cancer Syndrome; Hereditary neoplastic syndrome; Neoplastic Syndromes, Hereditary; Tumor predisposition. Identifiers: Orphanet 140162, MedGen C0027672, MeSH D009386, MONDO:0015356.

Submission:

Ambry Genetics
Classification: Pathogenic for Hereditary cancer-predisposing syndrome. Last evaluated: 2025-09-05. Review status: criteria provided, single submitter. Criteria: Ambry Variant Classification Scheme 2023. Collection method: clinical testing. Allele origin: germline.
Comment: The c.1394delA pathogenic mutation, located in coding exon 12 of the CHEK2 gene, results from a deletion of one nucleotide at nucleotide position 1394, causing a translational frameshift with a predicted alternate stop codon (p.K465Sfs*4). This variant is considered to be rare based on population cohorts in the Genome Aggregation Database (gnomAD). This alteration is expected to result in loss of function by premature protein truncation or nonsense-mediated mRNA decay. As such, this alteration is interpreted as a disease-causing mutation.